The following is an entry in ClinVar:

ClinVar aggregate classification (germline): Likely pathogenic. Review status: criteria provided, multiple submitters, no conflicts (2 of 4 stars). 3 submissions from 3 submitters: Likely pathogenic (2). 1 of the submissions does not count toward it. Last evaluated 2025-09-21.

Conditions:
BBS10-related disorder. Also called: BBS10-related condition.
Bardet-Biedl syndrome 10 (BBS10). Identifiers: Orphanet 110, MedGen C1859568, MONDO:0014438, OMIM 615987.

Submissions (3):

PreventionGenetics, part of Exact Sciences
Classification: Likely pathogenic for BBS10-related condition. Last evaluated: 2025-09-21. Review status: criteria provided, single submitter. Criteria: ACMG Guidelines, 2015. Collection method: clinical testing. Allele origin: germline.
Comment: The BBS10 c.1664_1668del5 variant is predicted to result in a frameshift and premature protein termination (p.Ile555Asnfs*13). To our knowledge, this variant has not been reported in the literature or in a large population database (gnomAD), indicating this variant is rare. Frameshift variants in BBS10 are expected to be pathogenic. This variant is interpreted as likely pathogenic.

Baylor Genetics
Classification: Likely pathogenic for Bardet-Biedl syndrome 10. Last evaluated: 2022-11-15. Review status: criteria provided, single submitter. Criteria: ACMG Guidelines, 2015. Collection method: clinical testing. Allele origin: unknown.

Counsyl
Classification: Likely pathogenic for Bardet-Biedl syndrome 10. Last evaluated: 2016-03-18. Review status: no assertion criteria provided. Collection method: clinical testing. Allele origin: unknown. Not counted in ClinVar's aggregate classification.

NM_024685.4(BBS10):c.1664_1668del (p.Ile555fs)

Gene: BBS10 (Bardet-Biedl syndrome 10; minus strand). Cytogenetic location: 12q21.2.
Variant type: Microsatellite.
Coding change: c.1664_1668del on transcript NM_024685.4 (MANE Select); coding-DNA positions 1664 to 1668, 5 bases deleted (TAGAA; older notation c.1664_1668delTAGAA).
Protein change: p.Ile555fs; shifts the reading frame from isoleucine 555.
Molecular consequence: frameshift variant.
Genome position (GRCh38, 1-based): chr12:76,346,317-76,346,321, TTCTA deleted on the plus strand (TAGAA on the coding strand, the reverse complement: BBS10 is on the minus strand); deleting any 5 consecutive bases within chr12:76,346,317-76,346,328 gives the same sequence; the c. name uses the placement nearest the transcript's 3' end. VCF-style (leftmost placement, unchanged base first): chr12-76346316-TTTCTA-T. GRCh37 (hg19) VCF-style: chr12-76740096-TTTCTA-T.
Other names: short protein forms I555fs.
Identifiers: ClinVar variation 370664 (VCV000370664.5), dbSNP rs1057516669, ClinGen allele CA16041578.
Genomic context (GRCh38, chr12:76,346,316, plus strand): 5'-TCACTGGTAACATGCTTCCCTTTCTAGTAATATTTGTGACCTGTAAATTTTCGTAAGAAA[TTTCTA>T]TTCTATTTCCCCTTGTTGAATAAGCAGTGGAATTGTTCTTGAGTAATGGTTCATAATAAT-3'